The following is an entry in ClinVar:

NM_004484.4(GPC3):c.451G>A (p.Asp151Asn)

Gene: GPC3 (glypican 3; minus strand). Cytogenetic location: Xq26.2.
Variant type: single nucleotide variant.
Coding change: c.451G>A on transcript NM_004484.4 (MANE Select); coding-DNA position 451, G replaced by A.
Protein change: p.Asp151Asn; replaces aspartic acid 151 with asparagine.
Molecular consequence: missense variant.
Genome position (GRCh38, 1-based): chrX:133,754,063, C>T on the plus strand (G>A on the coding strand, the complement: GPC3 is on the minus strand). VCF-style: chrX-133754063-C-T. GRCh37 (hg19) VCF-style: chrX-132888090-C-T.
Other names: c.451G>A, p.Asp151Asn (NM_001164617.2); c.403G>A, p.Asp135Asn (NM_001164618.2); c.289G>A, p.Asp97Asn (NM_001164619.2); short protein forms D151N, D135N, D97N.
Identifiers: ClinVar variation 1363103 (VCV001363103.8), dbSNP rs2124480809, ClinGen allele CA414706603.

ClinVar aggregate classification (germline): Uncertain significance (1 of 4 stars; one submission).

Conditions:
Wilms tumor 1 (WT1). Also called: Wilms tumor, somatic. Identifiers: Orphanet 654, MedGen CN033288, MONDO:0008679, OMIM 194070.

Allele frequency attached by ClinVar (database versions not stated): gnomAD exomes below 0.00001.
gnomAD v4.1: 2 of 1,209,238 alleles (0.00017%); highest among the groups gnomAD compares: Non-Finnish European, 0.00022%; no homozygotes.

Submission:

Labcorp Genetics (formerly Invitae), Labcorp
Classification: Uncertain significance for Wilms tumor 1. Last evaluated: 2021-03-02. Review status: criteria provided, single submitter. Criteria: Invitae Variant Classification Sherloc (09022015). Collection method: clinical testing. Allele origin: germline.
Comment: This sequence change replaces aspartic acid with asparagine at codon 151 of the GPC3 protein (p.Asp151Asn). The aspartic acid residue is highly conserved and there is a small physicochemical difference between aspartic acid and asparagine. This variant is not present in population databases (ExAC no frequency). This variant has not been reported in the literature in individuals with GPC3-related conditions. Algorithms developed to predict the effect of missense changes on protein structure and function are either unavailable or do not agree on the potential impact of this missense change (SIFT: "Deleterious"; PolyPhen-2: "Probably Damaging"; Align-GVGD: "Class C0"). In summary, the available evidence is currently insufficient to determine the role of this variant in disease. Therefore, it has been classified as a Variant of Uncertain Significance.